The following is an entry in ClinVar:

ClinVar aggregate classification (germline): Uncertain significance. Review status: criteria provided, multiple submitters, no conflicts (2 of 4 stars). 2 submissions from 2 submitters: Uncertain significance (2). Last evaluated 2025-01-23.

gnomAD v4.1: 4 of 1,613,684 alleles (0.00025%); highest among the groups gnomAD compares: Non-Finnish European, 0.000085%; no homozygotes.

Submissions (2):

Labcorp Genetics (formerly Invitae), Labcorp
Classification: Uncertain significance. Last evaluated: 2025-01-23. Review status: criteria provided, single submitter. Criteria: Invitae Variant Classification Sherloc (09022015). Collection method: clinical testing. Allele origin: germline.
Comment: This sequence change replaces valine, which is neutral and non-polar, with leucine, which is neutral and non-polar, at codon 941 of the NPAT protein (p.Val941Leu). This variant is not present in population databases (gnomAD no frequency). This variant has not been reported in the literature in individuals affected with NPAT-related conditions. ClinVar contains an entry for this variant (Variation ID: 1796456). An algorithm developed to predict the effect of missense changes on protein structure and function (PolyPhen-2) suggests that this variant is likely to be disruptive. In summary, the available evidence is currently insufficient to determine the role of this variant in disease. Therefore, it has been classified as a Variant of Uncertain Significance.

Ambry Genetics
Classification: Uncertain significance. Last evaluated: 2024-04-29. Review status: criteria provided, single submitter. Criteria: Ambry Variant Classification Scheme 2023. Collection method: clinical testing. Allele origin: germline.

NM_002519.3(NPAT):c.2821G>T (p.Val941Leu)

Gene: NPAT (nuclear protein, coactivator of histone transcription; minus strand). Cytogenetic location: 11q22.3.
Variant type: single nucleotide variant.
Coding change: c.2821G>T on transcript NM_002519.3 (MANE Select); coding-DNA position 2821, G replaced by T.
Protein change: p.Val941Leu; replaces valine 941 with leucine.
Molecular consequence: missense variant.
Genome position (GRCh38, 1-based): chr11:108,170,008, C>A on the plus strand (G>T on the coding strand, the complement: NPAT is on the minus strand). VCF-style: chr11-108170008-C-A. GRCh37 (hg19) VCF-style: chr11-108040735-C-A.
Other names: c.2821G>T, p.Val941Leu (NM_001321307.1); short protein forms V941L.
Identifiers: ClinVar variation 1796456 (VCV001796456.5), dbSNP rs1565309286, ClinGen allele CA382512159.
Genomic context (GRCh38, chr11:108,170,008, plus strand): 5'-AGTTATTTCCATTCTGTCCAACCACAGATACTGGGATCATCCCTACCATTCCTTGGAGTA[C>A]AGGCTGGACTGGAGAGGCAATTATTATGGCAGATCCTAAAAAAACAATTCTTGTTAAAAA-3'
Protein context (NP_002510.2, residues 931-951): AIIIASPVQP[Val941Leu]LQGMVGMIPV